The following is an entry in ClinVar:

NM_001367624.2(ZNF469):c.3242G>C (p.Arg1081Pro)

Genes: ZNF469 (zinc finger protein 469; plus strand), LOC130059718 (ATAC-STARR-seq lymphoblastoid silent region 7847; plus strand). Cytogenetic location: 16q24.2.
Variant type: single nucleotide variant.
Coding change: c.3242G>C on transcript NM_001367624.2 (MANE Select); coding-DNA position 3242, G replaced by C.
Protein change: p.Arg1081Pro; replaces arginine 1081 with proline.
Molecular consequence: missense variant.
Genome position (GRCh38, 1-based): chr16:88,430,712, G>C. VCF-style: chr16-88430712-G-C. GRCh37 (hg19) VCF-style: chr16-88497120-G-C.
Other names: short protein forms R1081P.
Identifiers: ClinVar variation 4853149 (VCV004853149.1).

ClinVar aggregate classification (germline): Uncertain significance (1 of 4 stars; one submission).

gnomAD v4.1: 26 of 1,479,340 alleles (0.0018%); highest among the groups gnomAD compares: Non-Finnish European, 0.002%; no homozygotes.

Submission:

Women's Health and Genetics/Laboratory Corporation of America, LabCorp
Classification: Uncertain significance. Last evaluated: 2026-05-13. Review status: criteria provided, single submitter. Criteria: LabCorp Variant Classification Summary - May 2015. Collection method: clinical testing. Allele origin: germline.
Comment: Variant summary: ZNF469 c.3242G>C (p.Arg1081Pro) results in a non-conservative amino acid change in the encoded protein sequence. Algorithms developed to predict the effect of missense changes on protein structure and function are either unavailable or do not agree on the potential impact of this missense change. The variant was absent in 78346 control chromosomes. The available data on variant occurrences in the general population are insufficient to allow any conclusion about variant significance. To our knowledge, no occurrence of c.3242G>C in individuals affected with ZNF469-related conditions and no experimental evidence demonstrating its impact on protein function have been reported. No submitters have cited clinical-significance assessments for this variant to ClinVar. Based on the evidence outlined above, the variant was classified as uncertain significance.